The following is an entry in ClinVar:

NM_001267550.2(TTN):c.11312-5166C>T

Gene: TTN (titin; minus strand). Cytogenetic location: 2q31.2.
Variant type: single nucleotide variant.
Coding change: c.11312-5166C>T on transcript NM_001267550.2 (MANE Select); 5166 bases into the intron before coding-DNA position 11312, C replaced by T.
Molecular consequence: intron variant. On other transcripts: nonsense (1).
Genome position (GRCh38, 1-based): chr2:178,747,087, G>A on the plus strand (C>T on the coding strand, the complement: TTN is on the minus strand). VCF-style: chr2-178747087-G-A. GRCh37 (hg19) VCF-style: chr2-179611814-G-A.
Other names: c.15313C>T, p.Arg5105Ter (NM_133379.5); c.10223-5166C>T (NM_003319.4); c.10799-5166C>T (NM_133437.4); c.10598-5166C>T (NM_133432.3); c.10360+6037C>T (NM_133378.4); c.10361-5166C>T (NM_001256850.1); short protein forms R5105*.
Identifiers: ClinVar variation 4988200 (VCV004988200.1).

ClinVar aggregate classification (germline): Uncertain significance (1 of 4 stars; one submission).

Conditions:
TTN-related disorder. Also called: TTN-related disorders; TTN-related condition; TTN-related disease.

gnomAD v4.1: 23 of 1,594,496 alleles (0.0014%); highest among the groups gnomAD compares: East Asian, 0.023%; no homozygotes.

Submission:

PreventionGenetics, part of Exact Sciences
Classification: Uncertain significance for TTN-related condition. Last evaluated: 2025-02-15. Review status: criteria provided, single submitter. Criteria: ACMG Guidelines, 2015. Collection method: clinical testing. Allele origin: germline.
Comment: The TTN c.15313C>T variant is predicted to result in premature protein termination (p.Arg5105*). This variant has been reported in controls but not in affected individuals in case-control studies of hypertrophic cardiomyopathy or atrial fibrillation (Table S2, Zhang et al. 2017. PubMed ID: 28822653; Online Table IX, Choi et al. 2020. PubMed ID: 31691645). This variant is reported in 0.050% of alleles in individuals of East Asian descent in gnomAD. This variant is located in exon 46 of the Novex-3 transcript (minor small cardiac isoform) which is the last exon of this transcript. This exon is not included in any other TTN transcripts (principle cardiac or skeletal muscle isoforms) and would be referred to as c.11312-5166C>T with NM_001267550. Several TTN truncating variants in this exon have also been reported in presumably healthy control individuals (Table S8, Roberts et al. 2015. PubMed ID: 25589632). At this time, the clinical significance of this variant is uncertain due to the absence of conclusive functional and genetic evidence.